The following is an entry in ClinVar:

ClinVar aggregate classification (germline): Uncertain significance (1 of 4 stars; one submission).

Conditions:
Very long chain acyl-CoA dehydrogenase deficiency (ACADVLD). Also called: VLCAD Deficiency; Very Long-Chain Acyl-Coenzyme A Dehydrogenase Deficiency. Identifiers: Orphanet 26793, MedGen C3887523, MONDO:0008723, OMIM 201475.

Allele frequency attached by ClinVar (database versions not stated): ExAC 0.00002; gnomAD exomes 0.00003.
gnomAD v4.1: 10 of 1,614,060 alleles (0.00062%); highest among the groups gnomAD compares: South Asian, 0.011%; no homozygotes.

Submission:

Labcorp Genetics (formerly Invitae), Labcorp
Classification: Uncertain significance for Very long chain acyl-CoA dehydrogenase deficiency. Last evaluated: 2024-04-22. Review status: criteria provided, single submitter. Criteria: Invitae Variant Classification Sherloc (09022015). Collection method: clinical testing. Allele origin: germline.
Comment: This sequence change replaces methionine, which is neutral and non-polar, with isoleucine, which is neutral and non-polar, at codon 399 of the ACADVL protein (p.Met399Ile). This variant is present in population databases (rs767552054, gnomAD 0.02%). This variant has not been reported in the literature in individuals affected with ACADVL-related conditions. ClinVar contains an entry for this variant (Variation ID: 1426920). Advanced modeling of protein sequence and biophysical properties (such as structural, functional, and spatial information, amino acid conservation, physicochemical variation, residue mobility, and thermodynamic stability) performed at Invitae indicates that this missense variant is expected to disrupt ACADVL protein function with a positive predictive value of 95%. In summary, the available evidence is currently insufficient to determine the role of this variant in disease. Therefore, it has been classified as a Variant of Uncertain Significance.

NM_000018.4(ACADVL):c.1197G>C (p.Met399Ile)

Gene: ACADVL (acyl-CoA dehydrogenase very long chain; plus strand). Cytogenetic location: 17p13.1.
Variant type: single nucleotide variant.
Coding change: c.1197G>C on transcript NM_000018.4 (MANE Select); coding-DNA position 1197, G replaced by C.
Protein change: p.Met399Ile; replaces methionine 399 with isoleucine.
Molecular consequence: missense variant.
Genome position (GRCh38, 1-based): chr17:7,223,658, G>C. VCF-style: chr17-7223658-G-C. GRCh37 (hg19) VCF-style: chr17-7126977-G-C.
Other names: c.1131G>C, p.Met377Ile (NM_001033859.3); c.1266G>C, p.Met422Ile (NM_001270447.2); c.969G>C, p.Met323Ile (NM_001270448.2); short protein forms M377I, M323I, M422I, M399I.
Identifiers: ClinVar variation 1426920 (VCV001426920.7), dbSNP rs767552054, ClinGen allele CA8338036.